The following is an entry in ClinVar:

NM_005045.4(RELN):c.2422A>G (p.Lys808Glu)

Gene: RELN (reelin; minus strand). Cytogenetic location: 7q22.1.
Variant type: single nucleotide variant.
Coding change: c.2422A>G on transcript NM_005045.4 (MANE Select); coding-DNA position 2422, A replaced by G.
Protein change: p.Lys808Glu; replaces lysine 808 with glutamic acid.
Molecular consequence: missense variant.
Genome position (GRCh38, 1-based): chr7:103,635,468, T>C on the plus strand (A>G on the coding strand, the complement: RELN is on the minus strand). VCF-style: chr7-103635468-T-C. GRCh37 (hg19) VCF-style: chr7-103275915-T-C.
Other names: c.2422A>G, p.Lys808Glu (NM_173054.3); short protein forms K808E.
Identifiers: ClinVar variation 3752015 (VCV003752015.2).

ClinVar aggregate classification (germline): Uncertain significance (1 of 4 stars; one submission).

Conditions:
Familial temporal lobe epilepsy 7. Identifiers: Orphanet 101046, MedGen C4225327, MONDO:0014639, OMIM 616436.
Norman-Roberts syndrome (LIS2). Also called: Lissencephaly 2 (Norman-Roberts type). Identifiers: Orphanet 89844, MedGen C0796089, MONDO:0009760, OMIM 257320.

Submission:

Labcorp Genetics (formerly Invitae), Labcorp
Classification: Uncertain significance for Familial temporal lobe epilepsy 7; Norman-Roberts syndrome. Last evaluated: 2024-02-13. Review status: criteria provided, single submitter. Criteria: Invitae Variant Classification Sherloc (09022015). Collection method: clinical testing. Allele origin: germline.
Comment: This sequence change replaces lysine, which is basic and polar, with glutamic acid, which is acidic and polar, at codon 808 of the RELN protein (p.Lys808Glu). This variant is not present in population databases (gnomAD no frequency). This variant has not been reported in the literature in individuals affected with RELN-related conditions. Advanced modeling of protein sequence and biophysical properties (such as structural, functional, and spatial information, amino acid conservation, physicochemical variation, residue mobility, and thermodynamic stability) performed at Invitae indicates that this missense variant is not expected to disrupt RELN protein function with a negative predictive value of 80%. In summary, the available evidence is currently insufficient to determine the role of this variant in disease. Therefore, it has been classified as a Variant of Uncertain Significance.